The following is an entry in ClinVar:

ClinVar aggregate classification (germline): Benign/Likely benign. Review status: criteria provided, multiple submitters, no conflicts (2 of 4 stars). 3 submissions from 3 submitters: Benign (1); Likely benign (2). Last evaluated 2024-03-26.

Conditions:
Hereditary cancer-predisposing syndrome. Also called: Neoplastic Syndromes, Hereditary; Tumor predisposition; Hereditary neoplastic syndrome; Hereditary Cancer Syndrome. Identifiers: Orphanet 140162, MedGen C0027672, MeSH D009386, MONDO:0015356.
Familial adenomatous polyposis 1 (FAP1). Also called: POLYPOSIS, ADENOMATOUS INTESTINAL; FAMILIAL ADENOMATOUS POLYPOSIS 1, ATTENUATED. Identifiers: MedGen C2713442, MONDO:0021056, OMIM 175100. Disease mechanism: loss of function.

Submissions (3):

Myriad Genetics, Inc.
Classification: Benign for Familial adenomatous polyposis 1. Last evaluated: 2024-03-26. Review status: criteria provided, single submitter. Criteria: Myriad Autosomal Dominant, Autosomal Recessive and X-Linked Classification Criteria (2023). Collection method: clinical testing. Allele origin: unknown.
Comment: This variant is considered benign. This variant is a silent/synonymous amino acid change and it is not expected to impact splicing.

Labcorp Genetics (formerly Invitae), Labcorp
Classification: Likely benign for Familial adenomatous polyposis 1. Last evaluated: 2023-12-31. Review status: criteria provided, single submitter. Criteria: Invitae Variant Classification Sherloc (09022015). Collection method: clinical testing. Allele origin: germline.

Color Diagnostics, LLC DBA Color Health
Classification: Likely benign for Hereditary cancer-predisposing syndrome. Last evaluated: 2018-08-17. Review status: criteria provided, single submitter. Criteria: ACMG Guidelines, 2015. Collection method: clinical testing. Allele origin: germline.

NM_000038.6(APC):c.4185T>C (p.Ser1395=)

Gene: APC (APC regulator of Wnt signaling pathway; plus strand). Cytogenetic location: 5q22.2.
Variant type: single nucleotide variant.
Coding change: c.4185T>C on transcript NM_000038.6 (MANE Select); coding-DNA position 4185, T replaced by C.
Protein change: p.Ser1395=; no amino-acid change (serine 1395 retained).
Molecular consequence: synonymous variant.
Genome position (GRCh38, 1-based): chr5:112,839,779, T>C. VCF-style: chr5-112839779-T-C. GRCh37 (hg19) VCF-style: chr5-112175476-T-C.
Other names: c.4185T>C, p.Ser1395= (NM_001127510.3, NM_001354895.2); c.4131T>C, p.Ser1377= (NM_001127511.3); c.4239T>C, p.Ser1413= (NM_001354896.2); c.4215T>C, p.Ser1405= (NM_001354897.2); c.4110T>C, p.Ser1370= (NM_001354898.2); c.4101T>C, p.Ser1367= (NM_001354899.2); c.4062T>C, p.Ser1354= (NM_001354900.2); c.4008T>C, p.Ser1336= (NM_001354901.2); and 5 more.
Identifiers: ClinVar variation 629075 (VCV000629075.9), dbSNP rs1561590472, ClinGen allele CA445964187.